The following is an entry in ClinVar:

NM_003923.3(FOXH1):c.1077G>A (p.Leu359=)

Gene: FOXH1 (forkhead box H1; minus strand). Cytogenetic location: 8q24.3.
Variant type: single nucleotide variant.
Coding change: c.1077G>A on transcript NM_003923.3 (MANE Select); coding-DNA position 1077, G replaced by A.
Protein change: p.Leu359=; no amino-acid change (leucine 359 retained).
Molecular consequence: synonymous variant.
Genome position (GRCh38, 1-based): chr8:144,474,259, C>T on the plus strand (G>A on the coding strand, the complement: FOXH1 is on the minus strand). VCF-style: chr8-144474259-C-T. GRCh37 (hg19) VCF-style: chr8-145699642-C-T.
Other names: p.L359L:CTG>CTA.
Identifiers: ClinVar variation 137397 (VCV000137397.31), dbSNP rs7833404, ClinGen allele CA290955.
Genomic context (GRCh38, chr8:144,474,259, plus strand): 5'-TGGGAGCGGGAGGGAGGAGTGGCCCCTGTCTTAAGAGCCTCACAGGCTGCACCAGGAGAG[C>T]AGCCAGCCTGGGCCAGGGGCCGCCAGGTCCCGAGGGTGGCTGACCCAAACGTCGTAGATG-3'
Protein context (NP_003914.1, residues 349-365): RDLAAPGPGW[Leu359=]LSWCSL

ClinVar aggregate classification (germline): Benign. Review status: criteria provided, multiple submitters, no conflicts (2 of 4 stars). 10 submissions from 10 submitters: Benign (8). 2 of the submissions do not count toward it. Last evaluated 2026-01-29.

Conditions:
Holoprosencephaly sequence (HPE). Also called: Holoprosencephaly. Identifiers: Orphanet 2162, MedGen C0079541, MONDO:0016296, HP:0001360.

Allele frequency attached by ClinVar (database versions not stated): gnomAD exomes 0.00144 and 0.00419; ExAC 0.00537; 1000 Genomes Project 30x 0.01452; 1000 Genomes Project 0.01498; gnomAD 0.01516 and 0.01634; ESP Exome Variant Server 0.01670; TOPMed 0.01714.

Submissions (10):

Labcorp Genetics (formerly Invitae), Labcorp
Classification: Benign for Holoprosencephaly sequence. Last evaluated: 2026-01-29. Review status: criteria provided, single submitter. Criteria: Invitae Variant Classification Sherloc (09022015). Collection method: clinical testing. Allele origin: germline.

Women's Health and Genetics/Laboratory Corporation of America, LabCorp
Classification: Benign. Last evaluated: 2023-04-10. Review status: criteria provided, single submitter. Criteria: LabCorp Variant Classification Summary - May 2015. Collection method: clinical testing. Allele origin: germline.

ARUP Laboratories, Molecular Genetics and Genomics, ARUP Laboratories
Classification: Benign. Last evaluated: 2020-12-17. Review status: criteria provided, single submitter. Criteria: ARUP Molecular Germline Variant Investigation Process 2021. Collection method: clinical testing. Allele origin: germline.

Illumina Laboratory Services, Illumina
Classification: Benign for Holoprosencephaly sequence. Last evaluated: 2018-01-13. Review status: criteria provided, single submitter. Criteria: ICSL Variant Classification Criteria 13 December 2019. Collection method: clinical testing. Allele origin: germline.
Comment: This variant was observed in the ICSL laboratory as part of a predisposition screen in an ostensibly healthy population. It had not been previously curated by ICSL or reported in the Human Gene Mutation Database (HGMD: prior to June 1st, 2018), and was therefore a candidate for classification through an automated scoring system. Utilizing variant allele frequency, disease prevalence and penetrance estimates, and inheritance mode, an automated score was calculated to assess if this variant is too frequent to cause the disease. Based on the score and internal cut-off values, a variant classified as benign is not then subjected to further curation. The score for this variant resulted in a classification of benign for this disease.

Eurofins Ntd Llc (ga)
Classification: Benign. Last evaluated: 2016-05-23. Review status: criteria provided, single submitter. Criteria: EGL Classification Definitions 2015. Collection method: clinical testing. Allele origin: germline. Observed: 1 variant allele, 1 heterozygote.

GeneDx
Classification: Benign. Last evaluated: 2014-01-17. Review status: criteria provided, single submitter. Criteria: GeneDx Variant Classification (06012015). Collection method: clinical testing. Allele origin: germline. Affected: yes.
Comment: This variant is considered likely benign or benign based on one or more of the following criteria: it is a conservative change, it occurs at a poorly conserved position in the protein, it is predicted to be benign by multiple in silico algorithms, and/or has population frequency not consistent with disease.

Breakthrough Genomics
Classification: Benign. Review status: criteria provided, single submitter. Criteria: ACMG Guidelines, 2015. Collection method: not provided. Allele origin: germline. Inheritance: Unknown mechanism. Affected: yes.

PreventionGenetics, part of Exact Sciences
Classification: Benign. Review status: criteria provided, single submitter. Criteria: ACMG Guidelines, 2015. Collection method: clinical testing. Allele origin: germline.

Clinical Genetics DNA and cytogenetics Diagnostics Lab, Erasmus MC, Erasmus Medical Center
Classification: Benign. Review status: no assertion criteria provided. Collection method: clinical testing. Allele origin: germline. Affected: yes. Study: VKGL Data-share Consensus. Not counted in ClinVar's aggregate classification.

Joint Genome Diagnostic Labs from Nijmegen and Maastricht, Radboudumc and MUMC+
Classification: Benign. Review status: no assertion criteria provided. Collection method: clinical testing. Allele origin: germline. Affected: yes. Study: VKGL Data-share Consensus. Not counted in ClinVar's aggregate classification.